The following is an entry in ClinVar:

ClinVar aggregate classification (germline): Likely pathogenic (1 of 4 stars; one submission).

Conditions:
Autosomal recessive nonsyndromic hearing loss 3. Also called: NEUROSENSORY NONSYNDROMIC RECESSIVE DEAFNESS 3. Identifiers: Orphanet 90636, MedGen C1838263, MONDO:0010860, OMIM 600316.

Submission:

Institute of Rare Diseases, West China Hospital, Sichuan University
Classification: Likely pathogenic for Autosomal recessive nonsyndromic hearing loss 3. Last evaluated: 2025-01-09. Review status: criteria provided, single submitter. Criteria: ClinGen HL ACMG Specifications v1. Collection method: research. Allele origin: germline. Affected: yes.
Comment: PVS1;PM2_Supporting

NM_016239.4(MYO15A):c.10351-1G>C

Gene: MYO15A (myosin XVA; plus strand). Cytogenetic location: 17p11.2.
Variant type: single nucleotide variant.
Coding change: c.10351-1G>C on transcript NM_016239.4 (MANE Select); the canonical splice acceptor site of the intron before coding-DNA position 10351, G replaced by C.
Molecular consequence: splice acceptor variant.
Genome position (GRCh38, 1-based): chr17:18,173,780, G>C. VCF-style: chr17-18173780-G-C. GRCh37 (hg19) VCF-style: chr17-18077094-G-C.
Identifiers: ClinVar variation 3601301 (VCV003601301.1).